The following is an entry in ClinVar:

NM_000890.5(KCNJ5):c.506T>C (p.Leu169Ser)

Gene: KCNJ5 (potassium inwardly rectifying channel subfamily J member 5; plus strand). Cytogenetic location: 11q24.3.
Variant type: single nucleotide variant.
Coding change: c.506T>C on transcript NM_000890.5 (MANE Select); coding-DNA position 506, T replaced by C.
Protein change: p.Leu169Ser; replaces leucine 169 with serine.
Molecular consequence: missense variant.
Genome position (GRCh38, 1-based): chr11:128,911,779, T>C. VCF-style: chr11-128911779-T-C. GRCh37 (hg19) VCF-style: chr11-128781674-T-C.
Other names: c.506T>C, p.Leu169Ser (NM_001354169.2); short protein forms L169S.
Identifiers: ClinVar variation 1194816 (VCV001194816.2), dbSNP rs2135999150, ClinGen allele CA383248694.

ClinVar aggregate classification (germline): Uncertain significance (1 of 4 stars; one submission).

Submission:

GeneDx
Classification: Uncertain significance. Last evaluated: 2020-02-03. Review status: criteria provided, single submitter. Criteria: GeneDx Variant Classification Process June 2021. Collection method: clinical testing. Allele origin: germline. Affected: yes.
Comment: Has not been previously published as pathogenic or benign to our knowledge; Not observed in large population cohorts (Lek et al., 2016); In silico analysis supports that this missense variant has a deleterious effect on protein structure/function